The following is an entry in ClinVar:

NM_033656.4(BRWD1):c.1191T>C (p.Phe397=)

Gene: BRWD1 (bromodomain and WD repeat domain containing 1; minus strand). Cytogenetic location: 21q22.2.
Variant type: single nucleotide variant.
Coding change: c.1191T>C on transcript NM_033656.4 (MANE Select); coding-DNA position 1191, T replaced by C.
Protein change: p.Phe397=; no amino-acid change (phenylalanine 397 retained).
Molecular consequence: synonymous variant.
Genome position (GRCh38, 1-based): chr21:39,274,427, A>G on the plus strand (T>C on the coding strand, the complement: BRWD1 is on the minus strand). VCF-style: chr21-39274427-A-G. GRCh37 (hg19) VCF-style: chr21-40646353-A-G.
Other names: c.1191T>C, p.Phe397= (NM_018963.5).
Identifiers: ClinVar variation 3770488 (VCV003770488.13).
Genomic context (GRCh38, chr21:39,274,427, plus strand): 5'-AACTTACCCTGAGATTCTGGTAGCCATATCCAATAAAATGCTCCTCCATTCTAACTGCTC[A>G]AATCTCCAAATCCGTGCTGTTCCATCTCTGCTACCACTTAGGAACCTTAAAACATTCAGA-3'
Protein context (NP_387505.1, residues 387-407): SRDGTARIWR[Phe397=]EQLEWRSILL

ClinVar aggregate classification (germline): Likely benign (1 of 4 stars; one submission).

gnomAD v4.1: 177 of 1,614,032 alleles (0.011%); highest among the groups gnomAD compares: Middle Eastern, 0.099%; no homozygotes.

Submission:

CeGaT Center for Human Genetics Tuebingen
Classification: Likely benign. Last evaluated: 2025-01-01. Review status: criteria provided, single submitter. Criteria: CeGaT Center For Human Genetics Tuebingen Variant Classification Criteria Version 2. Collection method: clinical testing. Allele origin: germline. Affected: yes. Observed: 1 variant allele.
Comment: BRWD1: BP4, BP7